The following is an entry in ClinVar:

NM_025216.3(WNT10A):c.427C>T (p.His143Tyr)

Gene: WNT10A (Wnt family member 10A; plus strand). Cytogenetic location: 2q35.
Variant type: single nucleotide variant.
Coding change: c.427C>T on transcript NM_025216.3 (MANE Select); coding-DNA position 427, C replaced by T.
Protein change: p.His143Tyr; replaces histidine 143 with tyrosine.
Molecular consequence: missense variant.
Genome position (GRCh38, 1-based): chr2:218,890,034, C>T. VCF-style: chr2-218890034-C-T. GRCh37 (hg19) VCF-style: chr2-219754756-C-T.
Other names: short protein forms H143Y.
Identifiers: ClinVar variation 972612 (VCV000972612.5), dbSNP rs202024965, ClinGen allele CA2113924.
Genomic context (GRCh38, chr2:218,890,034, plus strand): 5'-TTAACCACAGGTTTCCGAGAGAGCGCTTTTGCCTACGCCATCGCAGCAGCTGGCGTGGTG[C>T]ACGCCGTGTCCAATGCGTGTGCCCTGGGCAAACTGAAGGCCTGTGGCTGTGATGCGTCCC-3'
Protein context (NP_079492.2, residues 133-153): AYAIAAAGVV[His143Tyr]AVSNACALGK

ClinVar aggregate classification (germline): Uncertain significance. Review status: criteria provided, multiple submitters, no conflicts (2 of 4 stars). 3 submissions from 3 submitters: Uncertain significance (2). 1 of the submissions does not count toward it. Last evaluated 2023-07-21.

Conditions:
Odonto-onycho-dermal dysplasia. Identifiers: Orphanet 2721, MedGen C0796093, MONDO:0009773, OMIM 257980.
Tooth agenesis, selective, 4 (STHAG4). Also called: TOOTH AGENESIS, SELECTIVE, 4, WITH OR WITHOUT ECTODERMAL DYSPLASIA; LATERAL INCISORS, ABSENCE OF; LATERAL INCISORS, PEGGED OR MISSING; SUCCEDANEOUS TEETH, AGENESIS OF. Identifiers: Orphanet 99798, MedGen C1835492, MONDO:0007881, OMIM 150400. Disease mechanism: loss of function.
Schöpf-Schulz-Passarge syndrome. Also called: SchC6pf-Schulz-Passarge syndrome; KERATOSIS PALMOPLANTARIS WITH CYSTIC EYELIDS, HYPODONTIA, AND HYPOTRICHOSIS; ECCRINE TUMORS WITH ECTODERMAL DYSPLASIA. Identifiers: Orphanet 50944, MedGen C1857069, MONDO:0009145, OMIM 224750.

Allele frequency attached by ClinVar (database versions not stated): ESP Exome Variant Server 0.00008; TOPMed 0.00009; gnomAD 0.00011; gnomAD exomes 0.00012 and 0.00025; ExAC 0.00034.
gnomAD v4.1: 196 of 1,613,752 alleles (0.012%); highest among the groups gnomAD compares: Non-Finnish European, 0.011%; no homozygotes.

Submissions (3):

Women's Health and Genetics/Laboratory Corporation of America, LabCorp
Classification: Uncertain significance. Last evaluated: 2023-07-21. Review status: criteria provided, single submitter. Criteria: LabCorp Variant Classification Summary - May 2015. Collection method: clinical testing. Allele origin: germline.
Comment: Variant summary: WNT10A c.427C>T (p.His143Tyr) results in a conservative amino acid change in the encoded protein sequence. Four of five in-silico tools predict a benign effect of the variant on protein function. The variant allele was found at a frequency of 0.00025 in 251392 control chromosomes, predominantly at a frequency of 0.00036 within the Non-Finnish European subpopulation in the gnomAD database. This frequency is not significantly higher than estimated for a pathogenic variant in WNT10A causing Odonto-onycho-dermal dysplasia, allowing no conclusion about variant significance. c.427C>T has been reported in the literature as a non-informative genotype (exact zygosity or genotype not specified) in at least one individual affected with hypohidrotic and anhidrotic ectodermal dysplasia without a reported second variant (e.g. Cluzaeu_2010). These report(s) do not provide unequivocal conclusions about association of the variant with Odonto-onycho-dermal dysplasia. To our knowledge, no experimental evidence demonstrating an impact on protein function has been reported. The following publication has been ascertained in the context of this evaluation (PMID: 20979233). Two submitters have cited clinical-significance assessments for this variant to ClinVar after 2014. All submitters classified the variant as uncertain significance. Based on the evidence outlined above, the variant was classified as uncertain significance.

Labcorp Genetics (formerly Invitae), Labcorp
Classification: Uncertain significance for Tooth agenesis, selective, 4; Odonto-onycho-dermal dysplasia. Last evaluated: 2021-08-27. Review status: criteria provided, single submitter. Criteria: Invitae Variant Classification Sherloc (09022015). Collection method: clinical testing. Allele origin: germline.
Comment: This sequence change replaces histidine with tyrosine at codon 143 of the WNT10A protein (p.His143Tyr). The histidine residue is highly conserved and there is a moderate physicochemical difference between histidine and tyrosine. This variant is present in population databases (rs202024965, ExAC 0.06%). This missense change has been observed in individual(s) with clinical features of ectodermal dysplasia (PMID: 20979233; Invitae). In at least one individual the data is consistent with the variant being in trans (on the opposite chromosome) from a pathogenic variant. ClinVar contains an entry for this variant (Variation ID: 972612). Algorithms developed to predict the effect of missense changes on protein structure and function (SIFT, PolyPhen-2, Align-GVGD) all suggest that this variant is likely to be disruptive. Algorithms developed to predict the effect of sequence changes on RNA splicing suggest that this variant may create or strengthen a splice site. In summary, the available evidence is currently insufficient to determine the role of this variant in disease. Therefore, it has been classified as a Variant of Uncertain Significance.

Natera, Inc.
Classification: Uncertain significance for Schopf-Schulz-Passarge syndrome. Last evaluated: 2020-01-14. Review status: no assertion criteria provided. Collection method: clinical testing. Allele origin: germline. Not counted in ClinVar's aggregate classification.

Literature cited by the submitters: PubMed 20979233 (cited by Women's Health and Genetics/Laboratory Corporation of America, LabCorp and Labcorp Genetics (formerly Invitae), Labcorp).